The following is an entry in ClinVar:

NM_177438.3(DICER1):c.2437-7T>G

Gene: DICER1 (dicer 1, ribonuclease III; minus strand). Cytogenetic location: 14q32.13.
Variant type: single nucleotide variant.
Coding change: c.2437-7T>G on transcript NM_177438.3 (MANE Select); 7 bases into the intron before coding-DNA position 2437, T replaced by G.
Molecular consequence: intron variant.
Genome position (GRCh38, 1-based): chr14:95,108,100, A>C on the plus strand (T>G on the coding strand, the complement: DICER1 is on the minus strand). VCF-style: chr14-95108100-A-C. GRCh37 (hg19) VCF-style: chr14-95574437-A-C.
Other names: c.2437-7T>G (NM_001291628.2, NM_030621.4, NM_001395677.1 and 12 more transcripts); c.2032-7T>G (NM_001395690.1, NM_001395687.1, NM_001395689.1 and 2 more transcripts); c.2155-7T>G (NM_001395686.1); c.1870-7T>G (NM_001395691.1); c.754-7T>G (NM_001395697.1).
Identifiers: ClinVar variation 2919120 (VCV002919120.3), dbSNP rs2140027159, ClinGen allele CA2575616367.

ClinVar aggregate classification (germline): Uncertain significance (1 of 4 stars; one submission).

Conditions:
DICER1-related tumor predisposition. Also called: DICER1-related pleuropulmonary blastoma cancer predisposition syndrome; DICER1 syndrome. Identifiers: Orphanet 284343, MedGen C3839822, MONDO:0100216.

Submission:

Labcorp Genetics (formerly Invitae), Labcorp
Classification: Uncertain significance for DICER1-related tumor predisposition. Last evaluated: 2023-07-24. Review status: criteria provided, single submitter. Criteria: Invitae Variant Classification Sherloc (09022015). Collection method: clinical testing. Allele origin: germline.
Comment: This variant is not present in population databases (gnomAD no frequency). This sequence change falls in intron 15 of the DICER1 gene. It does not directly change the encoded amino acid sequence of the DICER1 protein. This variant has not been reported in the literature in individuals affected with DICER1-related conditions. Algorithms developed to predict the effect of sequence changes on RNA splicing suggest that this variant may disrupt the consensus splice site. In summary, the available evidence is currently insufficient to determine the role of this variant in disease. Therefore, it has been classified as a Variant of Uncertain Significance.